The following is an entry in ClinVar:

NM_003462.5(DNALI1):c.238G>T (p.Glu80Ter)

Gene: DNALI1 (dynein axonemal light intermediate chain 1; plus strand). Cytogenetic location: 1p34.3.
Variant type: single nucleotide variant.
Coding change: c.238G>T on transcript NM_003462.5 (MANE Select); coding-DNA position 238, G replaced by T.
Protein change: p.Glu80Ter; replaces glutamic acid 80 with a stop codon.
Molecular consequence: nonsense.
Genome position (GRCh38, 1-based): chr1:37,559,337, G>T. VCF-style: chr1-37559337-G-T. GRCh37 (hg19) VCF-style: chr1-38024938-G-T.
Other names: short protein forms E80*.
Identifiers: ClinVar variation 5018854 (VCV005018854.1).

ClinVar aggregate classification (germline): Uncertain significance (1 of 4 stars; one submission).

Conditions:
Spermatogenic failure 83 (SPGF83). Identifiers: MedGen C5830470, MONDO:0957250, OMIM 620354.

Submission:

Juno Genomics, Hangzhou Juno Genomics, Inc
Classification: Uncertain significance for Spermatogenic failure 83. Review status: criteria provided, single submitter. Criteria: ACMG Guidelines, 2015. Collection method: clinical testing. Allele origin: germline. Affected: yes.
Comment: Absent from controls (or at extremely low frequency if recessive) in Genome Aggregation Database.;For recessive disorders, detected in trans with a pathogenic variant.;Patient's phenotype or family history is highly specific for a disease with a single genetic etiology.